The following is an entry in ClinVar:

NM_000478.6(ALPL):c.279del (p.Phe94fs)

Gene: ALPL (alkaline phosphatase, biomineralization associated; plus strand). Cytogenetic location: 1p36.12.
Variant type: Deletion.
Coding change: c.279del on transcript NM_000478.6 (MANE Select); coding-DNA position 279, one base deleted (C; older notation c.279delC).
Protein change: p.Phe94fs; shifts the reading frame from phenylalanine 94.
Molecular consequence: frameshift variant. On other transcripts: intron variant (1).
Genome position (GRCh38, 1-based): chr1:21,561,194, C deleted; the last of 4 consecutive C bases (chr1:21,561,191-21,561,194); deleting any one gives the same sequence. VCF-style (leftmost placement, unchanged base first): chr1-21561190-TC-T. GRCh37 (hg19) VCF-style: chr1-21887683-TC-T.
Other names: c.114del, p.Phe39fs (NM_001127501.4); c.279del, p.Phe94fs (NM_001369803.2, NM_001369804.2, NM_001369805.2); c.66+449del (NM_001177520.3); short protein forms F39fs, F94fs.
Identifiers: ClinVar variation 3652565 (VCV003652565.2).

ClinVar aggregate classification (germline): Pathogenic (1 of 4 stars; one submission).

Submission:

Labcorp Genetics (formerly Invitae), Labcorp
Classification: Pathogenic. Last evaluated: 2024-06-10. Review status: criteria provided, single submitter. Criteria: Invitae Variant Classification Sherloc (09022015). Collection method: clinical testing. Allele origin: germline.
Comment: This sequence change creates a premature translational stop signal (p.Phe94Serfs*28) in the ALPL gene. It is expected to result in an absent or disrupted protein product. Loss-of-function variants in ALPL are known to be pathogenic (PMID: 3174660, 10679946, 32973344, 33814268). This variant is not present in population databases (gnomAD no frequency). This variant has not been reported in the literature in individuals affected with ALPL-related conditions. For these reasons, this variant has been classified as Pathogenic.

Literature cited by the submitters: PubMed 3174660; PubMed 10679946; PubMed 32973344; PubMed 33814268.